The following is an entry in ClinVar:

ClinVar aggregate classification (germline): Uncertain significance (1 of 4 stars; one submission).

gnomAD v4.1: 1 of 1,613,850 alleles (0.000062%); highest among the groups gnomAD compares: African/African-American, 0.0013%; no homozygotes.

Submission:

Labcorp Genetics (formerly Invitae), Labcorp
Classification: Uncertain significance. Last evaluated: 2026-01-21. Review status: criteria provided, single submitter. Criteria: Invitae Variant Classification Sherloc (09022015). Collection method: clinical testing. Allele origin: germline.
Comment: This sequence change replaces isoleucine, which is neutral and non-polar, with phenylalanine, which is neutral and non-polar, at codon 556 of the SLC12A2 protein (p.Ile556Phe). This variant is not present in population databases (gnomAD no frequency). This variant has not been reported in the literature in individuals affected with SLC12A2-related conditions. Invitae Evidence Modeling of protein sequence and biophysical properties (such as structural, functional, and spatial information, amino acid conservation, physicochemical variation, residue mobility, and thermodynamic stability) indicates that this missense variant is not expected to disrupt SLC12A2 protein function with a negative predictive value of 80%. In summary, the available evidence is currently insufficient to determine the role of this variant in disease. Therefore, it has been classified as a Variant of Uncertain Significance.

NM_001046.3(SLC12A2):c.1666A>T (p.Ile556Phe)

Gene: SLC12A2 (solute carrier family 12 member 2; plus strand). Cytogenetic location: 5q23.3.
Variant type: single nucleotide variant.
Coding change: c.1666A>T on transcript NM_001046.3 (MANE Select); coding-DNA position 1666, A replaced by T.
Protein change: p.Ile556Phe; replaces isoleucine 556 with phenylalanine.
Molecular consequence: missense variant. On other transcripts: non-coding transcript variant (1).
Genome position (GRCh38, 1-based): chr5:128,141,874, A>T. VCF-style: chr5-128141874-A-T. GRCh37 (hg19) VCF-style: chr5-127477566-A-T.
Other names: c.1666A>T, p.Ile556Phe (NM_001256461.2); short protein forms I556F.
Identifiers: ClinVar variation 4697029 (VCV004697029.1).
Genomic context (GRCh38, chr5:128,141,874, plus strand): 5'-GTCACTTGTGCTTTAGGTTCTTGTGTTGTTCGAGATGCCACTGGAAACGTTAATGACACT[A>T]TCGTAACAGAGCTAACAAACTGTACTTCTGCAGCCTGCAAATTAAACTTTGATTTTTCAT-3'
Protein context (NP_001037.1, residues 546-566): RDATGNVNDT[Ile556Phe]VTELTNCTSA